The following is an entry in ClinVar:

ClinVar aggregate classification (germline): Conflicting classifications of pathogenicity. Review status: criteria provided, conflicting classifications (1 of 4 stars). 4 submissions from 4 submitters: Likely pathogenic (1); Uncertain significance (3). Last evaluated 2026-01-08.

Conditions:
Tooth agenesis, selective, 1. Also called: HYPODONTIA/OLIGODONTIA 1; SECOND PREMOLARS AND THIRD MOLARS, ABSENCE OF. Identifiers: Orphanet 99798, MedGen C3489529, MONDO:0007129, OMIM 106600. Disease mechanism: loss of function.
Hereditary cancer-predisposing syndrome. Also called: Neoplastic Syndromes, Hereditary; Hereditary Cancer Syndrome; Hereditary neoplastic syndrome; Tumor predisposition. Identifiers: Orphanet 140162, MedGen C0027672, MeSH D009386, MONDO:0015356.
Oligodontia-cancer predisposition syndrome. Also called: TOOTH AGENESIS-COLORECTAL CANCER SYNDROME. Identifiers: Orphanet 300576, MedGen C1837750, MONDO:0012075, OMIM 608615. Disease mechanism: loss of function.

Allele frequency attached by ClinVar (database versions not stated): gnomAD exomes below 0.00001.

Submissions (4):

Myriad Genetics, Inc.
Classification: Uncertain significance for Oligodontia-cancer predisposition syndrome. Last evaluated: 2026-01-08. Review status: criteria provided, single submitter. Criteria: Myriad Autosomal Dominant, Autosomal Recessive and X-Linked Classification Criteria (2023). Collection method: clinical testing. Allele origin: unknown.
Comment: This variant is classified as a variant of uncertain significance as there is insufficient evidence to determine its impact on protein function and/or cancer risk.

Labcorp Genetics (formerly Invitae), Labcorp
Classification: Uncertain significance for Oligodontia-cancer predisposition syndrome. Last evaluated: 2025-09-30. Review status: criteria provided, single submitter. Criteria: Invitae Variant Classification Sherloc (09022015). Collection method: clinical testing. Allele origin: germline.
Comment: This sequence change falls in intron 4 of the AXIN2 gene. It does not directly change the encoded amino acid sequence of the AXIN2 protein. It affects a nucleotide within the consensus splice site. This variant is not present in population databases (gnomAD no frequency). This variant has not been reported in the literature in individuals affected with AXIN2-related conditions. ClinVar contains an entry for this variant (Variation ID: 1023306). Variants that disrupt the consensus splice site are a relatively common cause of aberrant splicing (PMID: 17576681, 9536098). Algorithms developed to predict the effect of sequence changes on RNA splicing suggest that this variant is not likely to affect RNA splicing. In summary, the available evidence is currently insufficient to determine the role of this variant in disease. Therefore, it has been classified as a Variant of Uncertain Significance.

Department of Prosthodontics, Peking University School and Hospital of Stomatology
Classification: Likely pathogenic for Tooth agenesis, selective, 1. Last evaluated: 2025-05-13. Review status: criteria provided, single submitter. Criteria: ACMG Guidelines, 2015. Collection method: clinical testing. Allele origin: germline, unknown. Inheritance: Autosomal dominant inheritance. Affected: yes. Observed: 2 heterozygotes. Clinical features observed: Tooth agenesis (HP:0009804), Sparse eyebrow (HP:0045075).
Comment: The c.1060-3T>C splicing mutation was identified in 2022 in a tooth agenesis family. Pathogenicity prediction tools (e.g., MutationTaster) classified it as "Disease Causing." Using RT-qPCR, we measured AXIN2 mRNA levels in peripheral blood PBMCs from the proband and the father, revealing an approximately 50% reduction compared to healthy controls. In summary, the c.1060-3T>C variant meets our criteria to be classified as likely pathogenic.

Ambry Genetics
Classification: Uncertain significance for Hereditary cancer-predisposing syndrome. Last evaluated: 2023-12-11. Review status: criteria provided, single submitter. Criteria: Ambry Variant Classification Scheme 2023. Collection method: clinical testing. Allele origin: germline.
Comment: The c.1060-3T>C intronic variant results from a T to C substitution 3 nucleotides upstream from coding exon 4 in the AXIN2 gene. This nucleotide position is not well conserved in available vertebrate species. In silico splice site analysis predicts that this alteration will not have any significant effect on splicing. Since supporting evidence is limited at this time, the clinical significance of this alteration remains unclear.

Literature cited by the submitters: PubMed 17576681 (cited by Labcorp Genetics (formerly Invitae), Labcorp); PubMed 9536098 (cited by Labcorp Genetics (formerly Invitae), Labcorp).

NM_004655.4(AXIN2):c.1060-3T>C

Gene: AXIN2 (axin 2; minus strand). Cytogenetic location: 17q24.1.
Variant type: single nucleotide variant.
Coding change: c.1060-3T>C on transcript NM_004655.4 (MANE Select); 3 bases into the intron before coding-DNA position 1060, T replaced by C.
Molecular consequence: intron variant.
Genome position (GRCh38, 1-based): chr17:65,538,346, A>G on the plus strand (T>C on the coding strand, the complement: AXIN2 is on the minus strand). VCF-style: chr17-65538346-A-G. GRCh37 (hg19) VCF-style: chr17-63534464-A-G.
Other names: c.1060-3T>C (NM_001363813.1).
Identifiers: ClinVar variation 1023306 (VCV001023306.14), dbSNP rs2043981901, ClinGen allele CA2270884800.